The following is an entry in ClinVar:

ClinVar aggregate classification (germline): Likely benign. Review status: criteria provided, multiple submitters, no conflicts (2 of 4 stars). 2 submissions from 2 submitters: Likely benign (2). Last evaluated 2026-06-02.

Conditions:
NIPBL-related disorder. Also called: NIPBL-related condition.
Cornelia de Lange syndrome 1 (CDLS1). Also called: TYPUS DEGENERATIVUS AMSTELODAMENSIS; Brachmann de Lange syndrome; NIPBL-Related Cornelia de Lange Syndrome. Identifiers: Orphanet 199, MedGen C4551851, MONDO:0007387, OMIM 122470.

gnomAD v4.1: 15 of 1,489,510 alleles (0.001%); highest among the groups gnomAD compares: Non-Finnish European, 0.0014%; no homozygotes.

Submissions (2):

PreventionGenetics, part of Exact Sciences
Classification: Likely benign for NIPBL-related condition. Last evaluated: 2026-06-02. Review status: criteria provided, single submitter. Criteria: ACMG Guidelines, 2015. Collection method: clinical testing. Allele origin: germline.
Comment: This variant is classified as likely benign based on ACMG/AMP sequence variant interpretation guidelines (Richards et al. 2015 PMID: 25741868, with internal and published modifications).

Labcorp Genetics (formerly Invitae), Labcorp
Classification: Likely benign for Cornelia de Lange syndrome 1. Last evaluated: 2022-09-30. Review status: criteria provided, single submitter. Criteria: Invitae Variant Classification Sherloc (09022015). Collection method: clinical testing. Allele origin: germline.

NM_133433.4(NIPBL):c.5710-13C>G

Gene: NIPBL (NIPBL cohesin loading factor; plus strand). Cytogenetic location: 5p13.2.
Variant type: single nucleotide variant.
Coding change: c.5710-13C>G on transcript NM_133433.4 (MANE Select); 13 bases into the intron before coding-DNA position 5710, C replaced by G.
Molecular consequence: intron variant.
Genome position (GRCh38, 1-based): chr5:37,026,216, C>G. VCF-style: chr5-37026216-C-G. GRCh37 (hg19) VCF-style: chr5-37026318-C-G.
Other names: c.5710-13C>G (NM_015384.5, NM_133433.3).
Identifiers: ClinVar variation 2067364 (VCV002067364.5), dbSNP rs562131143, ClinGen allele CA559017194.